The following is an entry in ClinVar:

NM_001366145.2(TRPM3):c.21C>T (p.Thr7=)

Gene: TRPM3 (transient receptor potential cation channel subfamily M member 3; minus strand). Cytogenetic location: 9q21.12.
Variant type: single nucleotide variant.
Coding change: c.21C>T on transcript NM_001366145.2 (MANE Select); coding-DNA position 21, C replaced by T.
Protein change: p.Thr7=; no amino-acid change (threonine 7 retained).
Molecular consequence: synonymous variant. On other transcripts: intron variant (4).
Genome position (GRCh38, 1-based): chr9:71,121,334, G>A on the plus strand (C>T on the coding strand, the complement: TRPM3 is on the minus strand). VCF-style: chr9-71121334-G-A. GRCh37 (hg19) VCF-style: chr9-73736250-G-A.
Other names: c.21C>T, p.Thr7= (NM_001007471.4, NM_001366146.2, NM_001366147.2 and 6 more transcripts); c.184-256823C>T (NM_001366143.2, NM_001366141.2, NM_001366142.2 and 1 more transcripts).
Identifiers: ClinVar variation 3042625 (VCV003042625.3), dbSNP rs76136548, ClinGen allele CA5079136.

ClinVar aggregate classification (germline): Likely benign. Review status: criteria provided, single submitter (1 of 4 stars). 2 submissions from 2 submitters: Likely benign (1). 1 of the submissions does not count toward it. Last evaluated 2024-11-25.

Conditions:
TRPM3-related disorder. Also called: TRPM3-related condition.

Allele frequency attached by ClinVar (database versions not stated): ExAC 0.00111; 1000 Genomes Project 30x 0.00328; 1000 Genomes Project 0.00379.
gnomAD v4.1: 772 of 1,613,746 alleles (0.048%); highest among the groups gnomAD compares: East Asian, 1.4%; 5 homozygotes.

Submissions (2):

Blueprint Genetics
Classification: Likely benign. Last evaluated: 2024-11-25. Review status: criteria provided, single submitter. Criteria: ACMG Guidelines, 2015. Collection method: clinical testing. Allele origin: germline.

PreventionGenetics, part of Exact Sciences
Classification: Benign for TRPM3-related condition. Last evaluated: 2019-06-24. Review status: no assertion criteria provided. Collection method: clinical testing. Allele origin: germline. Not counted in ClinVar's aggregate classification.
Comment: This variant is classified as benign based on ACMG/AMP sequence variant interpretation guidelines (Richards et al. 2015 PMID: 25741868, with internal and published modifications).